The following is an entry in ClinVar:

ClinVar aggregate classification (germline): Uncertain significance (1 of 4 stars; one submission).

Allele frequency attached by ClinVar (database versions not stated): gnomAD exomes below 0.00001 and 0.00001.

Submission:

Labcorp Genetics (formerly Invitae), Labcorp
Classification: Uncertain significance. Last evaluated: 2021-05-10. Review status: criteria provided, single submitter. Criteria: Invitae Variant Classification Sherloc (09022015). Collection method: clinical testing. Allele origin: germline.
Comment: This variant has not been reported in the literature in individuals with CRB2-related conditions. This variant is not present in population databases (ExAC no frequency). This sequence change replaces asparagine with serine at codon 836 of the CRB2 protein (p.Asn836Ser). The asparagine residue is highly conserved and there is a small physicochemical difference between asparagine and serine. Algorithms developed to predict the effect of missense changes on protein structure and function (SIFT, PolyPhen-2, Align-GVGD) all suggest that this variant is likely to be disruptive, but these predictions have not been confirmed by published functional studies and their clinical significance is uncertain. In summary, the available evidence is currently insufficient to determine the role of this variant in disease. Therefore, it has been classified as a Variant of Uncertain Significance. Algorithms developed to predict the effect of sequence changes on RNA splicing suggest that this variant may create or strengthen a splice site, but this prediction has not been confirmed by published transcriptional studies.

NM_173689.7(CRB2):c.2507A>G (p.Asn836Ser)

Gene: CRB2 (crumbs cell polarity complex component 2; plus strand). Cytogenetic location: 9q33.3.
Variant type: single nucleotide variant.
Coding change: c.2507A>G on transcript NM_173689.7 (MANE Select); coding-DNA position 2507, A replaced by G.
Protein change: p.Asn836Ser; replaces asparagine 836 with serine.
Molecular consequence: missense variant. On other transcripts: non-coding transcript variant (1).
Genome position (GRCh38, 1-based): chr9:123,372,247, A>G. VCF-style: chr9-123372247-A-G. GRCh37 (hg19) VCF-style: chr9-126134526-A-G.
Other names: short protein forms N836S.
Identifiers: ClinVar variation 1464860 (VCV001464860.8), dbSNP rs1316960672, ClinGen allele CA374866662.